The following is an entry in ClinVar:

ClinVar aggregate classification (germline): Uncertain significance (1 of 4 stars; one submission).

Submission:

Labcorp Genetics (formerly Invitae), Labcorp
Classification: Uncertain significance. Last evaluated: 2023-04-12. Review status: criteria provided, single submitter. Criteria: Invitae Variant Classification Sherloc (09022015). Collection method: clinical testing. Allele origin: germline.
Comment: This variant has not been reported in the literature in individuals affected with SGMS2-related conditions. In summary, the available evidence is currently insufficient to determine the role of this variant in disease. Therefore, it has been classified as a Variant of Uncertain Significance. Advanced modeling of protein sequence and biophysical properties (such as structural, functional, and spatial information, amino acid conservation, physicochemical variation, residue mobility, and thermodynamic stability) performed at Invitae indicates that this missense variant is not expected to disrupt SGMS2 protein function. This variant is not present in population databases (gnomAD no frequency). This sequence change replaces aspartic acid, which is acidic and polar, with histidine, which is basic and polar, at codon 58 of the SGMS2 protein (p.Asp58His).

NM_001375905.1(SGMS2):c.172G>C (p.Asp58His)

Genes: CYP2U1-AS1 (CYP2U1 and SGMS2 antisense RNA 1; minus strand), SGMS2 (sphingomyelin synthase 2; plus strand). Cytogenetic location: 4q25.
Variant type: single nucleotide variant.
Coding change: c.172G>C on transcript NM_001375905.1 (MANE Select); coding-DNA position 172, G replaced by C.
Protein change: p.Asp58His; replaces aspartic acid 58 with histidine.
Molecular consequence: missense variant. On other transcripts: intron variant (1).
Genome position (GRCh38, 1-based): chr4:107,895,725, G>C. VCF-style: chr4-107895725-G-C. GRCh37 (hg19) VCF-style: chr4-108816881-G-C.
Other names: c.172G>C, p.Asp58His (NM_001136257.2, NM_001136258.2, NM_001375906.1 and 4 more transcripts); c.-64-3850G>C (NM_001375911.1); short protein forms D58H.
Identifiers: ClinVar variation 2803443 (VCV002803443.3), dbSNP rs2476724943, ClinGen allele CA357835071.